The following is an entry in ClinVar:

ClinVar aggregate classification (germline): Uncertain significance (1 of 4 stars; one submission).

Allele frequency attached by ClinVar (database versions not stated): gnomAD 0.00001; TOPMed 0.00001; ExAC 0.00003.
gnomAD v4.1: 22 of 1,579,586 alleles (0.0014%); highest among the groups gnomAD compares: African/African-American, 0.0067%; no homozygotes.

Submission:

Labcorp Genetics (formerly Invitae), Labcorp
Classification: Uncertain significance. Last evaluated: 2023-04-24. Review status: criteria provided, single submitter. Criteria: Invitae Variant Classification Sherloc (09022015). Collection method: clinical testing. Allele origin: germline.
Comment: This variant is present in population databases (rs748603200, gnomAD 0.01%). This sequence change replaces proline, which is neutral and non-polar, with leucine, which is neutral and non-polar, at codon 468 of the SLC19A1 protein (p.Pro468Leu). This variant has not been reported in the literature in individuals affected with SLC19A1-related conditions. ClinVar contains an entry for this variant (Variation ID: 1475487). Algorithms developed to predict the effect of missense changes on protein structure and function output the following: SIFT: "Not Available"; PolyPhen-2: "Benign"; Align-GVGD: "Not Available". The leucine amino acid residue is found in multiple mammalian species, which suggests that this missense change does not adversely affect protein function. In summary, the available evidence is currently insufficient to determine the role of this variant in disease. Therefore, it has been classified as a Variant of Uncertain Significance.

NM_194255.4(SLC19A1):c.1403C>T (p.Pro468Leu)

Gene: SLC19A1 (solute carrier family 19 member 1; minus strand). Cytogenetic location: 21q22.3.
Variant type: single nucleotide variant.
Coding change: c.1403C>T on transcript NM_194255.4 (MANE Select); coding-DNA position 1403, C replaced by T.
Protein change: p.Pro468Leu; replaces proline 468 with leucine.
Molecular consequence: missense variant. On other transcripts: intron variant (2).
Genome position (GRCh38, 1-based): chr21:45,516,031, G>A on the plus strand (C>T on the coding strand, the complement: SLC19A1 is on the minus strand). VCF-style: chr21-45516031-G-A. GRCh37 (hg19) VCF-style: chr21-46935945-G-A.
Other names: c.1283C>T, p.Pro428Leu (NM_001205207.3); c.1049C>T, p.Pro350Leu (NM_001352510.2); c.1403C>T, p.Pro468Leu (NM_001352512.2); c.1294-879C>T (NM_001352511.3, NM_001205206.4); short protein forms P350L, P428L, P468L.
Identifiers: ClinVar variation 1475487 (VCV001475487.6), dbSNP rs748603200, ClinGen allele CA10068297.